The following is an entry in ClinVar:

NM_000430.4(PAFAH1B1):c.144dup (p.Gly49fs)

Gene: PAFAH1B1 (platelet activating factor acetylhydrolase 1b regulatory subunit 1; plus strand). Cytogenetic location: 17p13.3.
Variant type: Duplication.
Coding change: c.144dup on transcript NM_000430.4 (MANE Select); coding-DNA position 144, one base duplicated (T; older notation c.144dupT).
Protein change: p.Gly49fs; shifts the reading frame from glycine 49.
Molecular consequence: frameshift variant.
Genome position (GRCh38, 1-based): chr17:2,666,042, T duplicated. VCF-style (leftmost placement, unchanged base first): chr17-2666041-C-CT. GRCh37 (hg19) VCF-style: chr17-2569335-C-CT.
Other names: short protein forms G49fs.
Identifiers: ClinVar variation 2502363 (VCV002502363.3), dbSNP rs2544088009, ClinGen allele CA2580613959.

ClinVar aggregate classification (germline): Likely pathogenic (1 of 4 stars; one submission).

Conditions:
Lissencephaly due to LIS1 mutation (LIS1). Also called: Isolated Lissencephaly Sequence; PAFAH1B1-Related Lissencephaly/Subcortical Band Heterotopia; PAFAH1B1-Associated Lissencephaly/Subcortical Band Heterotopia. Identifiers: Orphanet 95232, MedGen C4749301, MONDO:0011830, OMIM 607432.

Submission:

Institute of Human Genetics, University of Leipzig Medical Center
Classification: Likely pathogenic for Lissencephaly due to LIS1 mutation. Last evaluated: 2023-04-17. Review status: criteria provided, single submitter. Criteria: ACMG Guidelines, 2015. Collection method: clinical testing. Allele origin: de novo. Inheritance: Autosomal dominant inheritance. Affected: yes.
Comment: Criteria applied: PVS1,PS2_MOD,PM2_SUP